The following is an entry in ClinVar:

ClinVar aggregate classification (germline): Uncertain significance (1 of 4 stars; one submission).

Conditions:
Muscle AMP deaminase deficiency (MMDD). Also called: Myoadenylate deaminase deficiency, myopathy due to; ADENOSINE MONOPHOSPHATE DEAMINASE-1 DEFICIENCY, MYOPATHY DUE TO; Adenosine monophosphate deaminase 1 deficiency; AMP deaminase 1 deficiency; Adenosine Monophosphate Deaminase 1; AMPD1 DEFICIENCY. Identifiers: Orphanet 45, MedGen C3714933, MONDO:0014220, OMIM 615511.

Allele frequency attached by ClinVar (database versions not stated): TOPMed below 0.00001; gnomAD 0.00001.
gnomAD v4.1: 1 of 1,614,010 alleles (0.000062%); highest among the groups gnomAD compares: African/African-American, 0.0013%; no homozygotes.

Submission:

Labcorp Genetics (formerly Invitae), Labcorp
Classification: Uncertain significance for Muscle AMP deaminase deficiency. Last evaluated: 2023-10-29. Review status: criteria provided, single submitter. Criteria: Invitae Variant Classification Sherloc (09022015). Collection method: clinical testing. Allele origin: germline.
Comment: This sequence change replaces asparagine, which is neutral and polar, with lysine, which is basic and polar, at codon 344 of the AMPD1 protein (p.Asn344Lys). This variant is not present in population databases (gnomAD no frequency). This variant has not been reported in the literature in individuals affected with AMPD1-related conditions. An algorithm developed to predict the effect of missense changes on protein structure and function (PolyPhen-2) suggests that this variant is likely to be disruptive. In summary, the available evidence is currently insufficient to determine the role of this variant in disease. Therefore, it has been classified as a Variant of Uncertain Significance.

NM_000036.3(AMPD1):c.933C>G (p.Asn311Lys)

Gene: AMPD1 (adenosine monophosphate deaminase 1; minus strand). Cytogenetic location: 1p13.2.
Variant type: single nucleotide variant.
Coding change: c.933C>G on transcript NM_000036.3 (MANE Select); coding-DNA position 933, C replaced by G.
Protein change: p.Asn311Lys; replaces asparagine 311 with lysine.
Molecular consequence: missense variant.
Genome position (GRCh38, 1-based): chr1:114,678,492, G>C on the plus strand (C>G on the coding strand, the complement: AMPD1 is on the minus strand). VCF-style: chr1-114678492-G-C. GRCh37 (hg19) VCF-style: chr1-115221113-G-C.
Other names: c.921C>G, p.Asn307Lys (NM_001172626.2); short protein forms N311K, N307K.
Identifiers: ClinVar variation 2775533 (VCV002775533.3), dbSNP rs1217398592, ClinGen allele CA341749800.